The following is an entry in ClinVar:

NM_152424.4(AMER1):c.1844C>A (p.Thr615Asn)

Gene: AMER1 (APC membrane recruitment protein 1; minus strand). Cytogenetic location: Xq11.2.
Variant type: single nucleotide variant.
Coding change: c.1844C>A on transcript NM_152424.4 (MANE Select); coding-DNA position 1844, C replaced by A.
Protein change: p.Thr615Asn; replaces threonine 615 with asparagine.
Molecular consequence: missense variant.
Genome position (GRCh38, 1-based): chrX:64,191,443, G>T on the plus strand (C>A on the coding strand, the complement: AMER1 is on the minus strand). VCF-style: chrX-64191443-G-T. GRCh37 (hg19) VCF-style: chrX-63411323-G-T.
Other names: short protein forms T615N.
Identifiers: ClinVar variation 1473455 (VCV001473455.8), dbSNP rs767204320, ClinGen allele CA10432278.

ClinVar aggregate classification (germline): Uncertain significance (1 of 4 stars; one submission).

Allele frequency attached by ClinVar (database versions not stated): ExAC 0.00001; gnomAD exomes 0.00001.
gnomAD v4.1: 51 of 1,212,046 alleles (0.0042%); highest among the groups gnomAD compares: Non-Finnish European, 0.0056%; no homozygotes.

Submission:

Labcorp Genetics (formerly Invitae), Labcorp
Classification: Uncertain significance. Last evaluated: 2025-04-16. Review status: criteria provided, single submitter. Criteria: Invitae Variant Classification Sherloc (09022015). Collection method: clinical testing. Allele origin: germline.
Comment: This sequence change replaces threonine, which is neutral and polar, with asparagine, which is neutral and polar, at codon 615 of the AMER1 protein (p.Thr615Asn). This variant is present in population databases (rs767204320, gnomAD 0.003%), including at least one homozygous and/or hemizygous individual. This variant has not been reported in the literature in individuals affected with AMER1-related conditions. ClinVar contains an entry for this variant (Variation ID: 1473455). An algorithm developed to predict the effect of missense changes on protein structure and function (PolyPhen-2) suggests that this variant is likely to be tolerated. In summary, the available evidence is currently insufficient to determine the role of this variant in disease. Therefore, it has been classified as a Variant of Uncertain Significance.